The following is an entry in ClinVar:

NM_025179.4(PLXNA2):c.4268C>G (p.Pro1423Arg)

Gene: PLXNA2 (plexin A2; minus strand). Cytogenetic location: 1q32.2.
Variant type: single nucleotide variant.
Coding change: c.4268C>G on transcript NM_025179.4 (MANE Select); coding-DNA position 4268, C replaced by G.
Protein change: p.Pro1423Arg; replaces proline 1423 with arginine.
Molecular consequence: missense variant.
Genome position (GRCh38, 1-based): chr1:208,042,116, G>C on the plus strand (C>G on the coding strand, the complement: PLXNA2 is on the minus strand). VCF-style: chr1-208042116-G-C. GRCh37 (hg19) VCF-style: chr1-208215461-G-C.
Other names: short protein forms P1423R.
Identifiers: ClinVar variation 3344075 (VCV003344075.1).

ClinVar aggregate classification (germline): Uncertain significance (0 of 4 stars; one submission).

Conditions:
PLXNA2-related disorder. Also called: PLXNA2-related condition.

Submission:

PreventionGenetics, part of Exact Sciences
Classification: Uncertain significance for PLXNA2-related condition. Last evaluated: 2024-05-27. Review status: no assertion criteria provided. Collection method: clinical testing. Allele origin: germline.
Comment: The PLXNA2 c.4268C>G variant is predicted to result in the amino acid substitution p.Pro1423Arg. To our knowledge, this variant has not been reported in the literature or in a large population database, indicating this variant is rare. At this time, the clinical significance of this variant is uncertain due to the absence of conclusive functional and genetic evidence.